The following is an entry in ClinVar:

ClinVar aggregate classification (germline): Likely benign (1 of 4 stars; one submission).

gnomAD v4.1: 6 of 1,609,446 alleles (0.00037%); highest among the groups gnomAD compares: Non-Finnish European, 0.00042%; no homozygotes.

Submission:

Molecular Diagnostic Laboratory for Inherited Cardiovascular Disease, Montreal Heart Institute
Classification: Likely benign. Last evaluated: 2026-09-21. Review status: criteria provided, single submitter. Criteria: ACMG Guidelines, 2015. Collection method: clinical testing. Allele origin: germline. Affected: no.
Comment: BP1

NM_001267550.2(TTN):c.11311+1856C>A

Gene: TTN (titin; minus strand). Cytogenetic location: 2q31.2.
Variant type: single nucleotide variant.
Coding change: c.11311+1856C>A on transcript NM_001267550.2 (MANE Select); 1856 bases into the intron after coding-DNA position 11311, C replaced by A.
Molecular consequence: intron variant. On other transcripts: missense variant (1).
Genome position (GRCh38, 1-based): chr2:178,751,268, G>T on the plus strand (C>A on the coding strand, the complement: TTN is on the minus strand). VCF-style: chr2-178751268-G-T. GRCh37 (hg19) VCF-style: chr2-179615995-G-T.
Other names: c.11132C>A, p.Thr3711Lys (NM_133379.5); c.10222+1856C>A (NM_003319.4); c.10798+1856C>A (NM_133437.4); c.10597+1856C>A (NM_133432.3); c.10360+1856C>A (NM_133378.4, NM_001256850.1); short protein forms T3711K.
Identifiers: ClinVar variation 5037777 (VCV005037777.1), dbSNP rs747399267.